The following is an entry in ClinVar:

NM_000506.5(F2):c.79+7G>A

Gene: F2 (coagulation factor II, thrombin; plus strand). Cytogenetic location: 11p11.2.
Variant type: single nucleotide variant.
Coding change: c.79+7G>A on transcript NM_000506.5 (MANE Select); 7 bases into the intron after coding-DNA position 79, G replaced by A.
Molecular consequence: intron variant.
Genome position (GRCh38, 1-based): chr11:46,719,321, G>A. VCF-style: chr11-46719321-G-A. GRCh37 (hg19) VCF-style: chr11-46740871-G-A.
Identifiers: ClinVar variation 304806 (VCV000304806.17), dbSNP rs3136431, ClinGen allele CA5966772.

ClinVar aggregate classification (germline): Benign/Likely benign. Review status: criteria provided, multiple submitters, no conflicts (2 of 4 stars). 6 submissions from 5 submitters: Benign (4); Likely benign (2). Last evaluated 2026-01-28.

Conditions:
Thrombophilia due to thrombin defect (THPH1). Also called: Prothrombin Thrombophilia; Thrombosis susceptibility; THROMBOPHILIA DUE TO FACTOR 2 DEFECT; Prothrombin-Related Thrombophilia (Factor II). Identifiers: MedGen C3160733, MONDO:0008559, OMIM 188050. Disease mechanism: gain of function, loss of function.
Congenital prothrombin deficiency. Also called: Factor II deficiency; Hereditary factor II deficiency disease; HYPOPROTHROMBINEMIA; Inherited hypoprothrombinemia; Congenital factor II deficiency; Inherited prothrombin deficiency. Identifiers: Orphanet 325, MedGen C0272317, MONDO:0013361, OMIM 613679.

Allele frequency attached by ClinVar (database versions not stated): gnomAD exomes 0.00535; ExAC 0.00838; 1000 Genomes Project 0.02057; gnomAD 0.02215 and 0.02419; 1000 Genomes Project 30x 0.02327; TOPMed 0.02510; ESP Exome Variant Server 0.02569.
gnomAD v4.1: 6,386 of 1,611,490 alleles (0.4%); highest among the groups gnomAD compares: African/African-American, 7.6%; 212 homozygotes.

Submissions (6):

Labcorp Genetics (formerly Invitae), Labcorp
Classification: Benign for Congenital prothrombin deficiency. Last evaluated: 2026-01-28. Review status: criteria provided, single submitter. Criteria: Invitae Variant Classification Sherloc (09022015). Collection method: clinical testing. Allele origin: germline.

Phosphorus, Inc.
Classification: Benign. Last evaluated: 2022-01-17. Review status: criteria provided, single submitter. Criteria: ACMG Guidelines, 2015. Collection method: clinical testing. Allele origin: germline. Inheritance: Autosomal dominant inheritance.
Comment: This variant is located at 7 bp away from the canonical splice site in intron 1 out of 13 introns of the F2 gene. The variant has occurred in GnomAD with a total MAF of 0.5174% and with the highest MAF of 7.4637% in the African population. This position is not conserved. In silico splicing algorithm predicted no impact on splicing, but no functional studies were performed to confirm this prediction. This variant NM_000506.5(F2):c.79+7G>A is present in the ClinVar database (ID: 304806). Considering that the variant has a relatively high frequency in a subpopulation, it has been classified as Benign.

GeneDx
Classification: Benign. Last evaluated: 2021-05-21. Review status: criteria provided, single submitter. Criteria: GeneDx Variant Classification Process June 2021. Collection method: clinical testing. Allele origin: germline. Affected: yes.

Illumina Laboratory Services, Illumina
Classification: Likely benign for Thrombophilia due to thrombin defect. Last evaluated: 2018-01-12. Review status: criteria provided, single submitter. Criteria: ICSL Variant Classification Criteria 13 December 2019. Collection method: clinical testing. Allele origin: germline.
Comment: This variant was observed in the ICSL laboratory as part of a predisposition screen in an ostensibly healthy population. It had not been previously curated by ICSL or reported in the Human Gene Mutation Database (HGMD: prior to June 1st, 2018), and was therefore a candidate for classification through an automated scoring system. Utilizing variant allele frequency, disease prevalence and penetrance estimates, and inheritance mode, an automated score was calculated to assess if this variant is too frequent to cause the disease. Based on the score and internal cut-off values, a variant classified as likely benign is not then subjected to further curation. The score for this variant resulted in a classification of likely benign for this disease.

Illumina Laboratory Services, Illumina
Classification: Benign for Congenital prothrombin deficiency. Last evaluated: 2018-01-12. Review status: criteria provided, single submitter. Criteria: ICSL Variant Classification Criteria 13 December 2019. Collection method: clinical testing. Allele origin: germline.
Comment: This variant was observed in the ICSL laboratory as part of a predisposition screen in an ostensibly healthy population. It had not been previously curated by ICSL or reported in the Human Gene Mutation Database (HGMD: prior to June 1st, 2018), and was therefore a candidate for classification through an automated scoring system. Utilizing variant allele frequency, disease prevalence and penetrance estimates, and inheritance mode, an automated score was calculated to assess if this variant is too frequent to cause the disease. Based on the score and internal cut-off values, a variant classified as benign is not then subjected to further curation. The score for this variant resulted in a classification of benign for this disease.

Breakthrough Genomics
Classification: Likely benign. Review status: criteria provided, single submitter. Criteria: ACMG Guidelines, 2015. Collection method: not provided. Allele origin: germline. Inheritance: Autosomal recessive inheritance. Affected: yes.